The following is an entry in ClinVar:

NM_001393769.1(MED12L):c.1168A>G (p.Ser390Gly)

Gene: MED12L (mediator complex subunit 12L; plus strand). Cytogenetic location: 3q25.1.
Variant type: single nucleotide variant.
Coding change: c.1168A>G on transcript NM_001393769.1 (MANE Select); coding-DNA position 1168, A replaced by G.
Protein change: p.Ser390Gly; replaces serine 390 with glycine.
Molecular consequence: missense variant.
Genome position (GRCh38, 1-based): chr3:151,163,953, A>G. VCF-style: chr3-151163953-A-G. GRCh37 (hg19) VCF-style: chr3-150881740-A-G.
Other names: c.1168A>G, p.Ser390Gly (NM_053002.6); short protein forms S390G.
Identifiers: ClinVar variation 2497898 (VCV002497898.2), dbSNP rs1720345082, ClinGen allele CA354958594.

ClinVar aggregate classification (germline): Uncertain significance (1 of 4 stars; one submission).

Allele frequency attached by ClinVar (database versions not stated): gnomAD exomes below 0.00001; TOPMed below 0.00001.
gnomAD v4.1: 1 of 1,613,498 alleles (0.000062%); highest among the groups gnomAD compares: African/African-American, 0.0013%; no homozygotes.

Submission:

GeneDx
Classification: Uncertain significance. Last evaluated: 2025-03-24. Review status: criteria provided, single submitter. Criteria: GeneDx Variant Classification Process June 2021. Collection method: clinical testing. Allele origin: germline.
Comment: Not observed at significant frequency in large population cohorts (gnomAD); In silico analysis indicates that this missense variant does not alter protein structure/function; Has not been previously published as pathogenic or benign to our knowledge